The following is an entry in ClinVar:

ClinVar aggregate classification (germline): Uncertain significance (1 of 4 stars; one submission).

Conditions:
DACT1-related disorder. Also called: DACT1-related condition.

Submission:

PreventionGenetics, part of Exact Sciences
Classification: Uncertain significance for DACT1-related condition. Last evaluated: 2023-08-14. Review status: criteria provided, single submitter. Criteria: ACMG Guidelines, 2015. Collection method: clinical testing. Allele origin: germline.
Comment: The DACT1 c.994C>G variant is predicted to result in the amino acid substitution p.Pro332Ala. To our knowledge, this variant has not been reported in the literature or in a large population database, indicating this variant is rare. At this time, the clinical significance of this variant is uncertain due to the absence of conclusive functional and genetic evidence.

NM_001079520.2(DACT1):c.883C>G (p.Pro295Ala)

Gene: DACT1 (dishevelled binding antagonist of beta catenin 1; plus strand). Cytogenetic location: 14q23.1.
Variant type: single nucleotide variant.
Coding change: c.883C>G on transcript NM_001079520.2 (MANE Select); coding-DNA position 883, C replaced by G.
Protein change: p.Pro295Ala; replaces proline 295 with alanine.
Molecular consequence: missense variant. On other transcripts: non-coding transcript variant (5).
Genome position (GRCh38, 1-based): chr14:58,645,617, C>G. VCF-style: chr14-58645617-C-G. GRCh37 (hg19) VCF-style: chr14-59112335-C-G.
Other names: c.994C>G, p.Pro332Ala (NM_016651.6); short protein forms P295A, P332A.
Identifiers: ClinVar variation 2631317 (VCV002631317.1), dbSNP rs1205762805, ClinGen allele CA389865764.